The following is an entry in ClinVar:

NM_000074.3(CD40LG):c.322_325del (p.Glu108fs)

Gene: CD40LG (CD40 ligand; plus strand). Cytogenetic location: Xq26.3.
Variant type: Microsatellite.
Coding change: c.322_325del on transcript NM_000074.3 (MANE Select); coding-DNA positions 322 to 325, 4 bases deleted (GAAA; older notation c.322_325delGAAA).
Protein change: p.Glu108fs; shifts the reading frame from glutamic acid 108.
Molecular consequence: frameshift variant.
Genome position (GRCh38, 1-based): chrX:136,654,406-136,654,409, GAAA deleted; deleting any 4 consecutive bases within chrX:136,654,400-136,654,409 gives the same sequence; the c. name uses the placement nearest the transcript's 3' end. VCF-style (leftmost placement, unchanged base first): chrX-136654399-GAAGA-G. GRCh37 (hg19) VCF-style: chrX-135736558-GAAGA-G.
Other names: c.322_325delGAAA (NM_000074.2); short protein forms E108fs.
Identifiers: ClinVar variation 568935 (VCV000568935.9), dbSNP rs1569376930, ClinGen allele CA891844011.

ClinVar aggregate classification (germline): Pathogenic (1 of 4 stars; one submission).

Conditions:
Hyper-IgM syndrome type 1. Also called: CD40 Ligand Deficiency; Hyper-IgM Immunodeficiency Syndrome, Type 1; X-linked hyper-IgM syndrome; Immunodeficiency, X-linked, with hyper-IgM. Identifiers: Orphanet 101088, MedGen C0398689, MONDO:0010626, OMIM 308230.

Submission:

Labcorp Genetics (formerly Invitae), Labcorp
Classification: Pathogenic for Hyper-IgM syndrome type 1. Last evaluated: 2023-10-03. Review status: criteria provided, single submitter. Criteria: Invitae Variant Classification Sherloc (09022015). Collection method: clinical testing. Allele origin: germline.
Comment: This sequence change creates a premature translational stop signal (p.Glu108Thrfs*19) in the CD40LG gene. While this is not anticipated to result in nonsense mediated decay, it is expected to disrupt the last 154 amino acid(s) of the CD40LG protein. This variant is not present in population databases (gnomAD no frequency). This variant has not been reported in the literature in individuals affected with CD40LG-related conditions. ClinVar contains an entry for this variant (Variation ID: 568935). This variant disrupts a region of the CD40LG protein in which other variant(s) (p.Gly257Asp) have been determined to be pathogenic (PMID: 10366125; Invitae). This suggests that this is a clinically significant region of the protein, and that variants that disrupt it are likely to be disease-causing. For these reasons, this variant has been classified as Pathogenic.

Literature cited by the submitters: PubMed 10366125.